The following is an entry in ClinVar:

ClinVar aggregate classification (germline): Uncertain significance (1 of 4 stars; one submission).

Conditions:
Carney complex, type 1 (CNC1). Also called: CARNEY COMPLEX, TYPE I; CARNEY MYXOMA-ENDOCRINE COMPLEX. Identifiers: Orphanet 1359, MedGen C2607929, MONDO:0008057, OMIM 160980.

Allele frequency attached by ClinVar (database versions not stated): gnomAD exomes below 0.00001; ExAC 0.00001.
gnomAD v4.1: 1 of 1,614,076 alleles (0.000062%); highest among the groups gnomAD compares: Non-Finnish European, 0.000085%; no homozygotes.

Submission:

Labcorp Genetics (formerly Invitae), Labcorp
Classification: Uncertain significance for Carney complex, type 1. Last evaluated: 2022-10-25. Review status: criteria provided, single submitter. Criteria: Invitae Variant Classification Sherloc (09022015). Collection method: clinical testing. Allele origin: germline.
Comment: This sequence change replaces glutamic acid, which is acidic and polar, with alanine, which is neutral and non-polar, at codon 310 of the PRKAR1A protein (p.Glu310Ala). This variant is present in population databases (rs764420601, gnomAD 0.0009%). In summary, the available evidence is currently insufficient to determine the role of this variant in disease. Therefore, it has been classified as a Variant of Uncertain Significance. Advanced modeling of protein sequence and biophysical properties (such as structural, functional, and spatial information, amino acid conservation, physicochemical variation, residue mobility, and thermodynamic stability) performed at Invitae indicates that this missense variant is not expected to disrupt PRKAR1A protein function. This variant has not been reported in the literature in individuals affected with PRKAR1A-related conditions.

NM_002734.5(PRKAR1A):c.929A>C (p.Glu310Ala)

Gene: PRKAR1A (protein kinase cAMP-dependent type I regulatory subunit alpha; plus strand). Cytogenetic location: 17q24.2.
Variant type: single nucleotide variant.
Coding change: c.929A>C on transcript NM_002734.5 (MANE Select); coding-DNA position 929, A replaced by C.
Protein change: p.Glu310Ala; replaces glutamic acid 310 with alanine.
Molecular consequence: missense variant.
Genome position (GRCh38, 1-based): chr17:68,529,957, A>C. VCF-style: chr17-68529957-A-C. GRCh37 (hg19) VCF-style: chr17-66526098-A-C.
Other names: c.929A>C, p.Glu310Ala (NM_001276289.2, NM_001276290.1, NM_001278433.2 and 4 more transcripts); short protein forms E310A.
Identifiers: ClinVar variation 1722121 (VCV001722121.5), dbSNP rs764420601, ClinGen allele CA8729417.